The following is an entry in ClinVar:

ClinVar aggregate classification (germline): Uncertain significance. Review status: criteria provided, multiple submitters, no conflicts (2 of 4 stars). 2 submissions from 2 submitters: Uncertain significance (2). Last evaluated 2025-09-20.

Allele frequency attached by ClinVar (database versions not stated): TOPMed below 0.00001.
gnomAD v4.1: 14 of 1,613,948 alleles (0.00087%); highest among the groups gnomAD compares: South Asian, 0.0011%; no homozygotes.

Submissions (2):

Labcorp Genetics (formerly Invitae), Labcorp
Classification: Uncertain significance. Last evaluated: 2025-09-20. Review status: criteria provided, single submitter. Criteria: Invitae Variant Classification Sherloc (09022015). Collection method: clinical testing. Allele origin: germline.
Comment: This sequence change replaces aspartic acid, which is acidic and polar, with glutamic acid, which is acidic and polar, at codon 1104 of the COL11A1 protein (p.Asp1104Glu). This variant is not present in population databases (gnomAD no frequency). This variant has not been reported in the literature in individuals affected with COL11A1-related conditions. ClinVar contains an entry for this variant (Variation ID: 2578051). Invitae Evidence Modeling of protein sequence and biophysical properties (such as structural, functional, and spatial information, amino acid conservation, physicochemical variation, residue mobility, and thermodynamic stability) indicates that this missense variant is not expected to disrupt COL11A1 protein function with a negative predictive value of 80%. In summary, the available evidence is currently insufficient to determine the role of this variant in disease. Therefore, it has been classified as a Variant of Uncertain Significance.

GeneDx
Classification: Uncertain significance. Last evaluated: 2023-03-02. Review status: criteria provided, single submitter. Criteria: GeneDx Variant Classification Process June 2021. Collection method: clinical testing. Allele origin: germline. Affected: yes.
Comment: Has not been previously published as pathogenic or benign to our knowledge; Not observed at significant frequency in large population cohorts (gnomAD); In silico analysis supports that this missense variant has a deleterious effect on protein structure/function

NM_001854.4(COL11A1):c.3312T>A (p.Asp1104Glu)

Gene: COL11A1 (collagen type XI alpha 1 chain; minus strand). Cytogenetic location: 1p21.1.
Variant type: single nucleotide variant.
Coding change: c.3312T>A on transcript NM_001854.4 (MANE Select); coding-DNA position 3312, T replaced by A.
Protein change: p.Asp1104Glu; replaces aspartic acid 1104 with glutamic acid.
Molecular consequence: missense variant. On other transcripts: non-coding transcript variant (1).
Genome position (GRCh38, 1-based): chr1:102,940,399, A>T on the plus strand (T>A on the coding strand, the complement: COL11A1 is on the minus strand). VCF-style: chr1-102940399-A-T. GRCh37 (hg19) VCF-style: chr1-103405955-A-T.
Other names: c.2964T>A, p.Asp988Glu (NM_001168249.1, NM_080630.4); c.3195T>A, p.Asp1065Glu (NM_001190709.2); c.3348T>A, p.Asp1116Glu (NM_080629.3); short protein forms D1065E, D1104E, D1116E, D988E.
Identifiers: ClinVar variation 2578051 (VCV002578051.4), dbSNP rs1371771477, ClinGen allele CA341169948.